The following is an entry in ClinVar:

ClinVar aggregate classification (germline): Uncertain significance. Review status: criteria provided, multiple submitters, no conflicts (2 of 4 stars). 2 submissions from 2 submitters: Uncertain significance (2). Last evaluated 2026-05-21.

Conditions:
PLEC-related disorder. Also called: PLEC-related condition; PLEC-related disorders.
Epidermolysis bullosa simplex, Ogna type (EBS5A). Also called: EPIDERMOLYSIS BULLOSA SIMPLEX 5A, OGNA TYPE; Pidermolysis bullosa simplex 5A, Ogna type. Identifiers: Orphanet 79401, MedGen C0432317, MONDO:0007555, OMIM 131950.
Epidermolysis bullosa simplex 5C, with pyloric atresia (EBS5C). Also called: PLEC1-Related Epidermolysis Bullosa with Pyloric Atresia; PLEC-Related Epidermolysis Bullosa with Pyloric Atresia; Epidermolysis bullosa simplex with pyloric atresia. Identifiers: Orphanet 158684, MedGen C2677349, MONDO:0012807, OMIM 612138.
Autosomal recessive limb-girdle muscular dystrophy type 2Q (LGMDR17). Also called: MUSCULAR DYSTROPHY, LIMB-GIRDLE, AUTOSOMAL RECESSIVE 17. Identifiers: Orphanet 254361, MedGen C3150989, MONDO:0013390, OMIM 613723.
Epidermolysis bullosa simplex 5B, with muscular dystrophy (EBS5B). Also called: EPIDERMOLYSIS BULLOSA SIMPLEX AND LIMB-GIRDLE MUSCULAR DYSTROPHY; Epidermolysis bullosa simplex with muscular dystrophy. Identifiers: Orphanet 257, MedGen C2931072, MONDO:0009181, OMIM 226670.
Epidermolysis bullosa simplex with nail dystrophy (EBS5D). Identifiers: MedGen C4225309, MONDO:0014661, OMIM 616487.

Allele frequency attached by ClinVar (database versions not stated): gnomAD exomes 0.00003; gnomAD 0.00004; ExAC 0.00008; ESP Exome Variant Server 0.00008; TOPMed 0.00013.
gnomAD v4.1: 45 of 1,596,054 alleles (0.0028%); highest among the groups gnomAD compares: Admixed American, 0.012%; no homozygotes.

Submissions (2):

PreventionGenetics, part of Exact Sciences
Classification: Uncertain significance for PLEC-related condition. Last evaluated: 2026-05-21. Review status: criteria provided, single submitter. Criteria: ACMG Guidelines, 2015. Collection method: clinical testing. Allele origin: germline.
Comment: The PLEC c.7097C>T variant is predicted to result in the amino acid substitution p.Ala2366Val. To our knowledge, this variant has not been reported in the literature. This variant is reported in 0.015% of alleles in individuals of Latino descent in gnomAD. At this time, the clinical significance of this variant is uncertain due to the absence of conclusive functional and genetic evidence.

Labcorp Genetics (formerly Invitae), Labcorp
Classification: Uncertain significance for Autosomal recessive limb-girdle muscular dystrophy type 2Q; Epidermolysis bullosa simplex, Ogna type; Epidermolysis bullosa simplex with nail dystrophy; Epidermolysis bullosa simplex 5C, with pyloric atresia; Epidermolysis bullosa simplex 5B, with muscular dystrophy. Last evaluated: 2025-02-13. Review status: criteria provided, single submitter. Criteria: Invitae Variant Classification Sherloc (09022015). Collection method: clinical testing. Allele origin: germline.
Comment: This sequence change replaces alanine, which is neutral and non-polar, with valine, which is neutral and non-polar, at codon 2366 of the PLEC protein (p.Ala2366Val). The frequency data for this variant in the population databases is considered unreliable, as metrics indicate poor data quality at this position in the gnomAD database. This variant has not been reported in the literature in individuals affected with PLEC-related conditions. ClinVar contains an entry for this variant (Variation ID: 2036503). An algorithm developed to predict the effect of missense changes on protein structure and function (PolyPhen-2) suggests that this variant is likely to be disruptive. In summary, the available evidence is currently insufficient to determine the role of this variant in disease. Therefore, it has been classified as a Variant of Uncertain Significance.

NM_201384.3(PLEC):c.7016C>T (p.Ala2339Val)

Gene: PLEC (plectin; minus strand). Cytogenetic location: 8q24.3.
Variant type: single nucleotide variant.
Coding change: c.7016C>T on transcript NM_201384.3 (MANE Select); coding-DNA position 7016, C replaced by T.
Protein change: p.Ala2339Val; replaces alanine 2339 with valine.
Molecular consequence: missense variant.
Genome position (GRCh38, 1-based): chr8:143,922,913, G>A on the plus strand (C>T on the coding strand, the complement: PLEC is on the minus strand). VCF-style: chr8-143922913-G-A. GRCh37 (hg19) VCF-style: chr8-144997081-G-A.
Other names: c.7097C>T (NM_000445.4); c.7097C>T, p.Ala2366Val (NM_000445.5); c.6974C>T, p.Ala2325Val (NM_201378.4); c.6950C>T, p.Ala2317Val (NM_201379.3); c.7427C>T, p.Ala2476Val (NM_201380.4); c.6920C>T, p.Ala2307Val (NM_201381.3); c.7016C>T, p.Ala2339Val (NM_201382.4); c.7028C>T, p.Ala2343Val (NM_201383.3); short protein forms A2317V, A2343V, A2307V, A2366V, A2325V, A2476V, A2339V.
Identifiers: ClinVar variation 2036503 (VCV002036503.5), dbSNP rs375597933, ClinGen allele CA4925784.